The following is an entry in ClinVar:

NM_000352.6(ABCC8):c.61G>T (p.Val21Phe)

Gene: ABCC8 (ATP binding cassette subfamily C member 8; minus strand). Cytogenetic location: 11p15.1.
Variant type: single nucleotide variant.
Coding change: c.61G>T on transcript NM_000352.6 (MANE Select); coding-DNA position 61, G replaced by T.
Protein change: p.Val21Phe; replaces valine 21 with phenylalanine.
Molecular consequence: missense variant. On other transcripts: non-coding transcript variant (1).
Genome position (GRCh38, 1-based): chr11:17,476,716, C>A on the plus strand (G>T on the coding strand, the complement: ABCC8 is on the minus strand). VCF-style: chr11-17476716-C-A. GRCh37 (hg19) VCF-style: chr11-17498263-C-A.
Other names: c.61G>T, p.Val21Phe (NM_001351295.2, NM_001351296.2, NM_001351297.2 and 1 more transcripts); short protein forms V21F.
Identifiers: ClinVar variation 3014266 (VCV003014266.3), dbSNP rs1176097396, ClinGen allele CA379790100.

ClinVar aggregate classification (germline): Likely pathogenic (1 of 4 stars; one submission).

Submission:

Labcorp Genetics (formerly Invitae), Labcorp
Classification: Likely pathogenic. Last evaluated: 2023-08-29. Review status: criteria provided, single submitter. Criteria: Invitae Variant Classification Sherloc (09022015). Collection method: clinical testing. Allele origin: germline.
Comment: This sequence change replaces valine, which is neutral and non-polar, with phenylalanine, which is neutral and non-polar, at codon 21 of the ABCC8 protein (p.Val21Phe). This variant is not present in population databases (gnomAD no frequency). This variant has not been reported in the literature in individuals affected with ABCC8-related conditions. Advanced modeling of protein sequence and biophysical properties (such as structural, functional, and spatial information, amino acid conservation, physicochemical variation, residue mobility, and thermodynamic stability) performed at Invitae indicates that this missense variant is expected to disrupt ABCC8 protein function. This variant disrupts the p.Val21 amino acid residue in ABCC8. Other variant(s) that disrupt this residue have been determined to be pathogenic (PMID: 19475716, 20685672, 23345197, 27573238). This suggests that this residue is clinically significant, and that variants that disrupt this residue are likely to be disease-causing. In summary, the currently available evidence indicates that the variant is pathogenic, but additional data are needed to prove that conclusively. Therefore, this variant has been classified as Likely Pathogenic.

Literature cited by the submitters: PubMed 19475716; PubMed 20685672; PubMed 23345197; PubMed 27573238.